The following is an entry in ClinVar:

ClinVar aggregate classification (germline): Uncertain significance (1 of 4 stars; one submission).

gnomAD v4.1: 2 of 1,613,284 alleles (0.00012%); highest among the groups gnomAD compares: East Asian, 0.0022%; no homozygotes.

Submission:

GeneDx
Classification: Uncertain significance. Last evaluated: 2024-08-13. Review status: criteria provided, single submitter. Criteria: GeneDx Variant Classification Process June 2021. Collection method: clinical testing. Allele origin: germline. Affected: yes.
Comment: Not observed at significant frequency in large population cohorts (gnomAD); Missense variant in a gene in which most reported pathogenic variants are truncating/loss of function; Has not been previously published as pathogenic or benign to our knowledge

NM_001267550.2(TTN):c.39461A>G (p.Lys13154Arg)

Gene: TTN (titin; minus strand). Cytogenetic location: 2q31.2.
Variant type: single nucleotide variant.
Coding change: c.39461A>G on transcript NM_001267550.2 (MANE Select); coding-DNA position 39461, A replaced by G.
Protein change: p.Lys13154Arg; replaces lysine 13154 with arginine.
Molecular consequence: missense variant. On other transcripts: intron variant (3).
Genome position (GRCh38, 1-based): chr2:178,651,668, T>C on the plus strand (A>G on the coding strand, the complement: TTN is on the minus strand). VCF-style: chr2-178651668-T-C. GRCh37 (hg19) VCF-style: chr2-179516395-T-C.
Other names: c.34940A>G, p.Lys11647Arg (NM_001256850.1); c.32159A>G, p.Lys10720Arg (NM_133378.4); c.13283-9351A>G (NM_003319.4); c.13859-9351A>G (NM_133437.4); c.13658-9351A>G (NM_133432.3); short protein forms K13154R, K10720R, K11647R.
Identifiers: ClinVar variation 3730871 (VCV003730871.1).